The following is an entry in ClinVar:

ClinVar aggregate classification (germline): Uncertain significance. Review status: criteria provided, multiple submitters, no conflicts (2 of 4 stars). 2 submissions from 2 submitters: Uncertain significance (2). Last evaluated 2025-10-21.

Conditions:
Deficiency of isobutyryl-CoA dehydrogenase. Also called: ACYL-CoA DEHYDROGENASE FAMILY, MEMBER 8, DEFICIENCY OF; IBD DEFICIENCY; ACAD8 DEFICIENCY. Identifiers: Orphanet 79159, MedGen C1969809, MONDO:0012648, OMIM 611283.

Allele frequency attached by ClinVar (database versions not stated): TOPMed 0.00001.
gnomAD v4.1: 16 of 1,614,182 alleles (0.00099%); highest among the groups gnomAD compares: Non-Finnish European, 0.0011%; no homozygotes.

Submissions (2):

Labcorp Genetics (formerly Invitae), Labcorp
Classification: Uncertain significance for Deficiency of isobutyryl-CoA dehydrogenase. Last evaluated: 2025-10-21. Review status: criteria provided, single submitter. Criteria: Invitae Variant Classification Sherloc (09022015). Collection method: clinical testing. Allele origin: germline.
Comment: This sequence change replaces isoleucine, which is neutral and non-polar, with lysine, which is basic and polar, at codon 123 of the ACAD8 protein (p.Ile123Lys). This variant is present in population databases (no rsID available, gnomAD 0.0009%). This variant has not been reported in the literature in individuals affected with ACAD8-related conditions. ClinVar contains an entry for this variant (Variation ID: 877359). Invitae Evidence Modeling of protein sequence and biophysical properties (such as structural, functional, and spatial information, amino acid conservation, physicochemical variation, residue mobility, and thermodynamic stability) indicates that this missense variant is expected to disrupt ACAD8 protein function with a positive predictive value of 95%. In summary, the available evidence is currently insufficient to determine the role of this variant in disease. Therefore, it has been classified as a Variant of Uncertain Significance.

Illumina Laboratory Services, Illumina
Classification: Uncertain significance for Deficiency of isobutyryl-CoA dehydrogenase. Last evaluated: 2018-01-12. Review status: criteria provided, single submitter. Criteria: ICSL Variant Classification Criteria 13 December 2019. Collection method: clinical testing. Allele origin: germline.

NM_014384.3(ACAD8):c.368T>A (p.Ile123Lys)

Gene: ACAD8 (acyl-CoA dehydrogenase family member 8; plus strand). Cytogenetic location: 11q25.
Variant type: single nucleotide variant.
Coding change: c.368T>A on transcript NM_014384.3 (MANE Select); coding-DNA position 368, T replaced by A.
Protein change: p.Ile123Lys; replaces isoleucine 123 with lysine.
Molecular consequence: missense variant.
Genome position (GRCh38, 1-based): chr11:134,257,245, T>A. VCF-style: chr11-134257245-T-A. GRCh37 (hg19) VCF-style: chr11-134127139-T-A.
Other names: short protein forms I123K.
Identifiers: ClinVar variation 877359 (VCV000877359.6), dbSNP rs1353919966, ClinGen allele CA383513696.
Genomic context (GRCh38, chr11:134,257,245, plus strand): 5'-TTGATACCTCTGTCATTTTTGAAGCCTTGGCTACAGGCTGCACCAGCACCACAGCCTATA[T>A]AAGCATCCACAAGTGAGTGCCCAAGCTTGGAAGGCACAATGAAGTGCTCACTCGGGCTGA-3'
Protein context (NP_055199.1, residues 113-133): ATGCTSTTAY[Ile123Lys]SIHNMCAWMI